The following is an entry in ClinVar:

ClinVar aggregate classification (germline): Benign (1 of 4 stars; one submission).

Allele frequency attached by ClinVar (database versions not stated): 1000 Genomes Project 30x 0.49313; 1000 Genomes Project 0.50399; ESP Exome Variant Server 0.52207; TOPMed 0.52282; ExAC 0.62663; gnomAD exomes 0.63846.
gnomAD v4.1: 1,041,553 of 1,611,926 alleles (65%); highest among the groups gnomAD compares: East Asian, 73%; 346,134 homozygotes.

Submission:

GeneDx
Classification: Benign. Last evaluated: 2019-04-20. Review status: criteria provided, single submitter. Criteria: GeneDx Variant Classification Process June 2021. Collection method: clinical testing. Allele origin: germline. Affected: yes.
Comment: This variant is associated with the following publications: (PMID: 30389748)

NM_032438.4(L3MBTL3):c.548C>A (p.Thr183Asn)

Gene: L3MBTL3 (L3MBTL histone methyl-lysine binding protein 3; plus strand). Cytogenetic location: 6q23.1.
Variant type: single nucleotide variant.
Coding change: c.548C>A on transcript NM_032438.4 (MANE Select); coding-DNA position 548, C replaced by A.
Protein change: p.Thr183Asn; replaces threonine 183 with asparagine.
Molecular consequence: missense variant.
Genome position (GRCh38, 1-based): chr6:130,052,957, C>A. VCF-style: chr6-130052957-C-A. GRCh37 (hg19) VCF-style: chr6-130374102-C-A.
Other names: c.473C>A, p.Thr158Asn (NM_001007102.4, NM_001346550.2, NM_001346551.2); short protein forms T158N, T183N.
Identifiers: ClinVar variation 1266479 (VCV001266479.2), dbSNP rs9388768, ClinGen allele CA3996191.